The following is an entry in ClinVar:

NM_000059.4(BRCA2):c.3431T>C (p.Val1144Ala)

Gene: BRCA2 (BRCA2 DNA repair associated; plus strand). Cytogenetic location: 13q13.1.
Variant type: single nucleotide variant.
Coding change: c.3431T>C on transcript NM_000059.4 (MANE Select); coding-DNA position 3431, T replaced by C.
Protein change: p.Val1144Ala; replaces valine 1144 with alanine.
Molecular consequence: missense variant. On other transcripts: non-coding transcript variant (1), intron variant (2).
Genome position (GRCh38, 1-based): chr13:32,337,786, T>C. VCF-style: chr13-32337786-T-C. GRCh37 (hg19) VCF-style: chr13-32911923-T-C.
Other names: c.3431T>C, p.Val1144Ala (NM_001406719.1, NM_001406720.1); c.1909+4399T>C (NM_001406721.1); c.424+6756T>C (NM_001406722.1); short protein forms V1144A.
Identifiers: ClinVar variation 2468066 (VCV002468066.2), dbSNP rs80358587, ClinGen allele CA387776571.

ClinVar aggregate classification (germline): Uncertain significance (1 of 4 stars; one submission).

Conditions:
Hereditary cancer-predisposing syndrome. Also called: Neoplastic Syndromes, Hereditary; Hereditary neoplastic syndrome; Tumor predisposition; Hereditary Cancer Syndrome. Identifiers: Orphanet 140162, MedGen C0027672, MeSH D009386, MONDO:0015356.

Submission:

Ambry Genetics
Classification: Uncertain significance for Hereditary cancer-predisposing syndrome. Last evaluated: 2023-01-23. Review status: criteria provided, single submitter. Criteria: Ambry Variant Classification Scheme 2023. Collection method: clinical testing. Allele origin: germline.
Comment: The p.V1144A variant (also known as c.3431T>C), located in coding exon 10 of the BRCA2 gene, results from a T to C substitution at nucleotide position 3431. The valine at codon 1144 is replaced by alanine, an amino acid with similar properties. This amino acid position is conserved. In addition, this alteration is predicted to be tolerated by in silico analysis. Since supporting evidence is limited at this time, the clinical significance of this alteration remains unclear.